The following is an entry in ClinVar:

ClinVar aggregate classification (germline): Likely benign. Review status: reviewed by expert panel (3 of 4 stars). 3 submissions from 3 submitters: Likely benign (1). 2 of the submissions do not count toward it. Last evaluated 2024-09-18.

Conditions:
Inborn genetic diseases. Identifiers: MedGen C0950123, MeSH D030342.
Hereditary thrombocytopenia and hematological cancer predisposition syndrome associated with RUNX1. Also called: Familial Platelet Disorder with Propensity to Acute Myelogenous Leukemia; Familial thrombocytopenia with propensity to acute myelogenous leukemia; PLATELET DISORDER, ASPIRIN-LIKE; RUNX1 Familial Platelet Disorder with Associated Myeloid Malignancies. Identifiers: Orphanet 71290, MedGen C1832388, MeSH C563324, MONDO:0100083, OMIM 601399.
Hereditary thrombocytopenia and hematologic cancer predisposition syndrome. Identifiers: Orphanet 71290, MedGen CN281654, MONDO:0011071.

Submissions (3):

ClinGen Myeloid Malignancy Variant Curation Expert Panel
Classification: Likely benign for Hereditary thrombocytopenia and hematologic cancer predisposition syndrome. Last evaluated: 2024-09-18. Review status: reviewed by expert panel. Criteria: ClinGen MyeloMalig ACMG Specifications v2. Collection method: curation. Allele origin: germline. Inheritance: Autosomal dominant inheritance.
Comment: NM_001754.5(RUNX1):c.171G>A (p.Pro57=) is a synonymous variant which has a SpliceAI score ≤ 0.20 (0.01) (BP4). This variant has a SpliceAI score ≤ 0.20 (0.01) and evolutionary conservation algorithms predict the site as not being conserved (PhyloP score ≤ 2.0 (1.95)) (BP7). This variant is completely absent from all population databases with at least 20x coverage for RUNX1 (PM2_supporting). In summary, the clinical significance of this variant is uncertain. ACMG/AMP criteria applied, as specified by the Myeloid Malignancy Variant Curation Expert Panel for RUNX1: BP4, BP7, PM2_supporting.

Ambry Genetics
Classification: Likely benign for Inborn genetic diseases. Last evaluated: 2025-05-03. Review status: criteria provided, single submitter. Criteria: Ambry Variant Classification Scheme 2023. Collection method: clinical testing. Allele origin: germline. Not counted in ClinVar's aggregate classification.

Labcorp Genetics (formerly Invitae), Labcorp
Classification: Likely benign for Hereditary thrombocytopenia and hematological cancer predisposition syndrome associated with RUNX1. Last evaluated: 2023-11-02. Review status: criteria provided, single submitter. Criteria: Invitae Variant Classification Sherloc (09022015). Collection method: clinical testing. Allele origin: germline. Not counted in ClinVar's aggregate classification.

NM_001754.5(RUNX1):c.171G>A (p.Pro57=)

Gene: RUNX1 (RUNX family transcription factor 1; minus strand). Cytogenetic location: 21q22.12.
Variant type: single nucleotide variant.
Coding change: c.171G>A on transcript NM_001754.5 (MANE Select); coding-DNA position 171, G replaced by A.
Protein change: p.Pro57=; no amino-acid change (proline 57 retained).
Molecular consequence: synonymous variant.
Genome position (GRCh38, 1-based): chr21:34,887,023, C>T on the plus strand (G>A on the coding strand, the complement: RUNX1 is on the minus strand). VCF-style: chr21-34887023-C-T. GRCh37 (hg19) VCF-style: chr21-36259320-C-T.
Other names: NM_001754.5(RUNX1):c.171G>A; p.Pro57=; c.90G>A, p.Pro30= (NM_001001890.3, NM_001122607.2).
Identifiers: ClinVar variation 2835751 (VCV002835751.5), dbSNP rs2146413239, ClinGen allele CA512318950.